The following is an entry in ClinVar:

ClinVar aggregate classification (germline): Uncertain significance. Review status: criteria provided, multiple submitters, no conflicts (2 of 4 stars). 4 submissions from 4 submitters: Uncertain significance (3). 1 of the submissions does not count toward it. Last evaluated 2024-05-14.

Conditions:
APOLIPOPROTEIN A-I (BALTIMORE).
Hypoalphalipoproteinemia, primary, 2, intermediate. Also called: HYPOALPHALIPOPROTEINEMIA, PRIMARY, 2, AUTOSOMAL DOMINANT. Identifiers: MedGen C5677030, MONDO:0859238, OMIM 619836.
Hypoalphalipoproteinemia, primary, 2. Also called: HIGH DENSITY LIPOPROTEIN DEFICIENCY; HYPOALPHALIPOPROTEINEMIA, PRIMARY, 2, AUTOSOMAL RECESSIVE. Identifiers: MedGen C5551172, MONDO:0032766, OMIM 618463.
Familial amyloid polyneuropathy, Iowa type (AMYLD3). Also called: AMYLOIDOSIS, HEREDITARY SYSTEMIC 3; AMYLOIDOSIS, IOWA TYPE; AMYLOIDOSIS, VAN ALLEN TYPE; AMYLOIDOSIS, TYPE III; AMYLOIDOSIS, TYPE IV; Familial amyloid polyneuropathy type III. Identifiers: MedGen C4551500, MONDO:0971008, OMIM 620657.

Allele frequency attached by ClinVar (database versions not stated): gnomAD 0.00001; ExAC 0.00002.
gnomAD v4.1: 5 of 1,613,950 alleles (0.00031%); highest among the groups gnomAD compares: Non-Finnish European, 0.00042%; no homozygotes.

Submissions (4):

Labcorp Genetics (formerly Invitae), Labcorp
Classification: Uncertain significance. Last evaluated: 2024-05-14. Review status: criteria provided, single submitter. Criteria: Invitae Variant Classification Sherloc (09022015). Collection method: clinical testing. Allele origin: germline.
Comment: This sequence change replaces arginine, which is basic and polar, with leucine, which is neutral and non-polar, at codon 34 of the APOA1 protein (p.Arg34Leu). This variant is present in population databases (rs28929476, gnomAD 0.002%). This missense change has been observed in individual(s) with clinical features of APOA1-related conditions (PMID: 2108924). This variant is also known as APOA1 Baltimore and Arg10>Leu. ClinVar contains an entry for this variant (Variation ID: 17920). Advanced modeling of protein sequence and biophysical properties (such as structural, functional, and spatial information, amino acid conservation, physicochemical variation, residue mobility, and thermodynamic stability) has been performed at Invitae for this missense variant, however the output from this modeling did not meet the statistical confidence thresholds required to predict the impact of this variant on APOA1 protein function. In summary, the available evidence is currently insufficient to determine the role of this variant in disease. Therefore, it has been classified as a Variant of Uncertain Significance.

Fulgent Genetics
Classification: Uncertain significance for Hypoalphalipoproteinemia, primary, 2; Hypoalphalipoproteinemia, primary, 2, intermediate; Familial amyloid polyneuropathy, Iowa type. Last evaluated: 2024-02-28. Review status: criteria provided, single submitter. Criteria: ACMG Guidelines, 2015. Collection method: clinical testing. Allele origin: germline.

Mayo Clinic Laboratories, Mayo Clinic
Classification: Uncertain significance. Last evaluated: 2020-08-05. Review status: criteria provided, single submitter. Criteria: ACMG Guidelines, 2015. Collection method: clinical testing. Allele origin: germline. Observed: 1 variant allele.

OMIM
Classification: Pathogenic for APOLIPOPROTEIN A-I (BALTIMORE). Last evaluated: 1990-04-01. Review status: no assertion criteria provided. Collection method: literature only. Allele origin: germline. Not counted in ClinVar's aggregate classification.

Literature cited by the submitters: PubMed 2108924 (cited by Labcorp Genetics (formerly Invitae), Labcorp and OMIM).

NM_000039.3(APOA1):c.101G>T (p.Arg34Leu)

Genes: APOA1 (apolipoprotein A1; minus strand), APOA1-AS (APOA1 antisense RNA; plus strand). Cytogenetic location: 11q23.3.
Variant type: single nucleotide variant.
Coding change: c.101G>T on transcript NM_000039.3 (MANE Select); coding-DNA position 101, G replaced by T.
Protein change: p.Arg34Leu; replaces arginine 34 with leucine.
Molecular consequence: missense variant.
Genome position (GRCh38, 1-based): chr11:116,837,100, C>A on the plus strand (G>T on the coding strand, the complement: APOA1 is on the minus strand). VCF-style: chr11-116837100-C-A. GRCh37 (hg19) VCF-style: chr11-116707816-C-A.
Other names: R10L; c.101G>T, p.Arg34Leu (NM_001318017.2, NM_001318018.2); c.-227G>T (NM_001318021.2); short protein forms R34L.
Identifiers: ClinVar variation 17920 (VCV000017920.15), dbSNP rs28929476, ClinGen allele CA127563.